The following is an entry in ClinVar:

ClinVar aggregate classification (germline): Uncertain significance. Review status: criteria provided, multiple submitters, no conflicts (2 of 4 stars). 2 submissions from 2 submitters: Uncertain significance (2). Last evaluated 2024-11-11.

Conditions:
Inborn genetic diseases. Identifiers: MedGen C0950123, MeSH D030342.

Allele frequency attached by ClinVar (database versions not stated): gnomAD 0.00002; TOPMed 0.00002; gnomAD exomes 0.00003.
gnomAD v4.1: 49 of 1,613,974 alleles (0.003%); highest among the groups gnomAD compares: Admixed American, 0.005%; no homozygotes.

Submissions (2):

Labcorp Genetics (formerly Invitae), Labcorp
Classification: Uncertain significance. Last evaluated: 2024-11-11. Review status: criteria provided, single submitter. Criteria: Invitae Variant Classification Sherloc (09022015). Collection method: clinical testing. Allele origin: germline.
Comment: This sequence change replaces isoleucine, which is neutral and non-polar, with methionine, which is neutral and non-polar, at codon 16 of the C6 protein (p.Ile16Met). This variant is present in population databases (rs779978560, gnomAD 0.006%). This variant has not been reported in the literature in individuals affected with C6-related conditions. ClinVar contains an entry for this variant (Variation ID: 2163242). An algorithm developed to predict the effect of missense changes on protein structure and function (PolyPhen-2) suggests that this variant is likely to be disruptive. In summary, the available evidence is currently insufficient to determine the role of this variant in disease. Therefore, it has been classified as a Variant of Uncertain Significance.

Ambry Genetics
Classification: Uncertain significance for Inborn genetic diseases. Last evaluated: 2022-12-02. Review status: criteria provided, single submitter. Criteria: Ambry Variant Classification Scheme 2023. Collection method: clinical testing. Allele origin: germline.

NM_000065.5(C6):c.48C>G (p.Ile16Met)

Gene: C6 (complement C6; minus strand). Cytogenetic location: 5p13.1.
Variant type: single nucleotide variant.
Coding change: c.48C>G on transcript NM_000065.5 (MANE Select); coding-DNA position 48, C replaced by G.
Protein change: p.Ile16Met; replaces isoleucine 16 with methionine.
Molecular consequence: missense variant.
Genome position (GRCh38, 1-based): chr5:41,203,183, G>C on the plus strand (C>G on the coding strand, the complement: C6 is on the minus strand). VCF-style: chr5-41203183-G-C. GRCh37 (hg19) VCF-style: chr5-41203285-G-C.
Other names: c.48C>G, p.Ile16Met (NM_001115131.4); short protein forms I16M.
Identifiers: ClinVar variation 2163242 (VCV002163242.4), dbSNP rs779978560, ClinGen allele CA117795567.
Genomic context (GRCh38, chr5:41,203,183, plus strand): 5'-TGAGCAGCTGGTCCACTGAGTCCATGCATAGTGATCACAGAAGCAGGCTTGGCCCTTGTT[G>C]ATCAGAGCATTCAGCAGGATGAAGTACAAGACAGAGCGTCTGGCCATGCCTTGAGAGCCT-3'
Protein context (NP_000056.2, residues 6-26): VLYFILLNAL[Ile16Met]NKGQACFCDH